The following is an entry in ClinVar:

NM_007317.3(KIF22):c.757A>G (p.Lys253Glu)

Gene: KIF22 (kinesin family member 22; plus strand). Cytogenetic location: 16p11.2.
Variant type: single nucleotide variant.
Coding change: c.757A>G on transcript NM_007317.3 (MANE Select); coding-DNA position 757, A replaced by G.
Protein change: p.Lys253Glu; replaces lysine 253 with glutamic acid.
Molecular consequence: missense variant.
Genome position (GRCh38, 1-based): chr16:29,799,182, A>G. VCF-style: chr16-29799182-A-G. GRCh37 (hg19) VCF-style: chr16-29810503-A-G.
Other names: c.553A>G, p.Lys185Glu (NM_001256269.2, NM_001256270.1); short protein forms K185E, K253E.
Identifiers: ClinVar variation 2083723 (VCV002083723.4), dbSNP rs2543273901, ClinGen allele CA395453105.

ClinVar aggregate classification (germline): Uncertain significance (1 of 4 stars; one submission).

Submission:

Labcorp Genetics (formerly Invitae), Labcorp
Classification: Uncertain significance. Last evaluated: 2022-01-16. Review status: criteria provided, single submitter. Criteria: Invitae Variant Classification Sherloc (09022015). Collection method: clinical testing. Allele origin: germline.
Comment: In summary, the available evidence is currently insufficient to determine the role of this variant in disease. Therefore, it has been classified as a Variant of Uncertain Significance. Algorithms developed to predict the effect of missense changes on protein structure and function are either unavailable or do not agree on the potential impact of this missense change (SIFT: "Tolerated"; PolyPhen-2: "Probably Damaging"; Align-GVGD: "Class C0"). This variant has not been reported in the literature in individuals affected with KIF22-related conditions. This variant is not present in population databases (gnomAD no frequency). This sequence change replaces lysine, which is basic and polar, with glutamic acid, which is acidic and polar, at codon 253 of the KIF22 protein (p.Lys253Glu).